The following is an entry in ClinVar:

ClinVar aggregate classification (germline): Uncertain significance. Review status: criteria provided, multiple submitters, no conflicts (2 of 4 stars). 2 submissions from 2 submitters: Uncertain significance (2). Last evaluated 2026-09-11.

Conditions:
Tuberous sclerosis 1 (TSC1). Identifiers: Orphanet 805, MedGen C1854465, MONDO:0008612, OMIM 191100.
Hereditary cancer-predisposing syndrome. Also called: Neoplastic Syndromes, Hereditary; Tumor predisposition; Hereditary Cancer Syndrome; Hereditary neoplastic syndrome. Identifiers: Orphanet 140162, MedGen C0027672, MeSH D009386, MONDO:0015356.

gnomAD v4.1: 1 of 1,614,044 alleles (0.000062%); no homozygotes.

Submissions (2):

Ambry Genetics
Classification: Uncertain significance for Hereditary cancer-predisposing syndrome. Last evaluated: 2026-09-11. Review status: criteria provided, single submitter. Criteria: Ambry Variant Classification Scheme 2023. Collection method: clinical testing. Allele origin: germline.
Comment: The p.H71P variant (also known as c.212A>C), located in coding exon 3 of the TSC1 gene, results from an A to C substitution at nucleotide position 212. The histidine at codon 71 is replaced by proline, an amino acid with similar properties. This amino acid position is conserved. In addition, this alteration is predicted to be deleterious by in silico analysis. Based on the available evidence, the clinical significance of this variant remains unclear.

Labcorp Genetics (formerly Invitae), Labcorp
Classification: Uncertain significance for Tuberous sclerosis 1. Last evaluated: 2025-09-09. Review status: criteria provided, single submitter. Criteria: Invitae Variant Classification Sherloc (09022015). Collection method: clinical testing. Allele origin: germline.
Comment: This sequence change replaces histidine, which is basic and polar, with proline, which is neutral and non-polar, at codon 71 of the TSC1 protein (p.His71Pro). This variant is not present in population databases (gnomAD no frequency). This variant has not been reported in the literature in individuals affected with TSC1-related conditions. Invitae Evidence Modeling of protein sequence and biophysical properties (such as structural, functional, and spatial information, amino acid conservation, physicochemical variation, residue mobility, and thermodynamic stability) indicates that this missense variant is not expected to disrupt TSC1 protein function with a negative predictive value of 95%. In summary, the available evidence is currently insufficient to determine the role of this variant in disease. Therefore, it has been classified as a Variant of Uncertain Significance.

NM_000368.5(TSC1):c.212A>C (p.His71Pro)

Gene: TSC1 (TSC complex subunit 1; minus strand). Cytogenetic location: 9q34.13.
Variant type: single nucleotide variant.
Coding change: c.212A>C on transcript NM_000368.5 (MANE Select); coding-DNA position 212, A replaced by C.
Protein change: p.His71Pro; replaces histidine 71 with proline.
Molecular consequence: missense variant. On other transcripts: 5 prime UTR variant (18), non-coding transcript variant (5), intron variant (5).
Genome position (GRCh38, 1-based): chr9:132,925,738, T>G on the plus strand (A>C on the coding strand, the complement: TSC1 is on the minus strand). VCF-style: chr9-132925738-T-G. GRCh37 (hg19) VCF-style: chr9-135801125-T-G.
Other names: c.-152A>C (NM_001362177.2, NM_001406617.1, NM_001406618.1 and 5 more transcripts); c.212A>C, p.His71Pro (NM_001406592.1, NM_001406593.1, NM_001406594.1 and 16 more transcripts); c.-244A>C (NM_001406614.1, NM_001406616.1, NM_001406624.1); c.-277A>C (NM_001406615.1, NM_001406623.1); c.-666A>C (NM_001406626.1, NM_001406627.1, NM_001406628.1); c.-808A>C (NM_001406629.1); c.-882A>C (NM_001406630.1); c.210+1463A>C (NM_001406613.1, NM_001406612.1, NM_001406610.1 and 2 more transcripts); short protein forms H71P.
Identifiers: ClinVar variation 4553704 (VCV004553704.3).
Genomic context (GRCh38, chr9:132,925,738, plus strand): 5'-GAGAGGATGGATAAACGAGTGGCGGCTTTGCCCACATATTCGTTAATCCTGTCCAAGAGG[T>G]GCTGAAAATGTAAAAGAACAAGGGCAGTCCTCACATGAATGTATGAAGTTAACACAAATA-3'
Protein context (NP_000359.1, residues 61-81): LTTLQEPHDK[His71Pro]LLDRINEYVG